The following is an entry in ClinVar:

NM_004606.5(TAF1):c.2617A>G (p.Thr873Ala)

Gene: TAF1 (TATA-box binding protein associated factor 1; plus strand). Cytogenetic location: Xq13.1.
Variant type: single nucleotide variant.
Coding change: c.2617A>G on transcript NM_004606.5 (MANE Select); coding-DNA position 2617, A replaced by G.
Protein change: p.Thr873Ala; replaces threonine 873 with alanine.
Molecular consequence: missense variant. On other transcripts: non-coding transcript variant (9).
Genome position (GRCh38, 1-based): chrX:71,388,785, A>G. VCF-style: chrX-71388785-A-G. GRCh37 (hg19) VCF-style: chrX-70608635-A-G.
Other names: c.2677A>G (NM_004606.3); c.2617A>G, p.Thr873Ala (NM_001286074.2); c.2554A>G, p.Thr852Ala (NM_138923.4); short protein forms T852A, T873A.
Identifiers: ClinVar variation 1038609 (VCV001038609.15), dbSNP rs1358610598, ClinGen allele CA413521515.
Genomic context (GRCh38, chrX:71,388,785, plus strand): 5'-ATGTCTTTTCCAGGGATGGACTCAAACTGGTGGGTGCTTAAGTCTGATTTTCGTTTACCA[A>G]CGGAAGAAGAGATCAGAGCTATGGTGTCACCAGAGCAGTGCTGTGCTTATTATAGCATGA-3'
Protein context (NP_004597.3, residues 863-883): WVLKSDFRLP[Thr873Ala]EEEIRAMVSP

ClinVar aggregate classification (germline): Conflicting classifications of pathogenicity. Review status: criteria provided, conflicting classifications (1 of 4 stars). 5 submissions from 5 submitters: Uncertain significance (4); Likely benign (1). Last evaluated 2024-09-04.

Conditions:
Inborn genetic diseases. Identifiers: MedGen C0950123, MeSH D030342.
Intellectual developmental disorder, X-linked, syndromic 33. Also called: Intellectual disability, X-linked, syndromic 33; X-linked intellectual disability-global development delay-facial dysmorphism-sacral caudal remnant syndrome. Identifiers: Orphanet 480907, MedGen C4225418, MONDO:0010500, OMIM 300966.

Allele frequency attached by ClinVar (database versions not stated): gnomAD exomes 0.00004 and 0.00003; TOPMed 0.00003; gnomAD 0.00002.
gnomAD v4.1: 47 of 1,210,060 alleles (0.0039%); highest among the groups gnomAD compares: Non-Finnish European, 0.0046%; no homozygotes.

Submissions (5):

Ambry Genetics
Classification: Likely benign for Inborn genetic diseases. Last evaluated: 2024-09-04. Review status: criteria provided, single submitter. Criteria: Ambry Variant Classification Scheme 2023. Collection method: clinical testing. Allele origin: germline.

Blueprint Genetics
Classification: Uncertain significance. Last evaluated: 2024-06-03. Review status: criteria provided, single submitter. Criteria: ACMG Guidelines, 2015. Collection method: clinical testing. Allele origin: germline.

Victorian Clinical Genetics Services, Murdoch Childrens Research Institute
Classification: Uncertain significance for Intellectual developmental disorder, X-linked, syndromic 33. Last evaluated: 2021-05-06. Review status: criteria provided, single submitter. Criteria: ACMG Guidelines, 2015. Collection method: clinical testing. Allele origin: germline. Inheritance: X-linked recessive inheritance.
Comment: Based on the classification scheme VCGS_Germline_v1.3.4, this variant is classified as VUS-3C. Following criteria are met: 0102 - Loss of function is a likely mechanism of disease in this gene and is associated with mental retardation, X-linked, syndromic 33 (MIM#300966). (I) 0109 - This gene is associated with X-linked recessive disease. (I) 0200 - Variant is predicted to result in a missense amino acid change from threonine to alanine. (I) 0253 - This variant is hemizygous. (I) 0304 - Variant is present in gnomAD (v3) <0.01 for a recessive condition (1 heterozygote, 0 homozygotes, 1 hemizygote). (SP) 0502 - Missense variant with conflicting in silico predictions and uninformative conservation. (I) 0600 - Variant is located in the annotated histone acetyltransferase motif (PDB). (I) 0705 - No comparable missense variants have previous evidence for pathogenicity. (I) 0807 - This variant has no previous evidence of pathogenicity. (I) 0905 - No published segregation evidence has been identified for this variant. (I) 1007 - No published functional evidence has been identified for this variant. (I) 1208 - Inheritance information for this variant is not currently available in this individual. (I) Legend: (SP) - Supporting pathogenic, (I) - Information, (SB) - Supporting benign

Revvity Omics, Revvity
Classification: Uncertain significance. Last evaluated: 2020-06-30. Review status: criteria provided, single submitter. Criteria: ACMG Guidelines, 2015. Collection method: clinical testing. Allele origin: germline.

Labcorp Genetics (formerly Invitae), Labcorp
Classification: Uncertain significance. Last evaluated: 2018-06-06. Review status: criteria provided, single submitter. Criteria: Invitae Variant Classification Sherloc (09022015). Collection method: clinical testing. Allele origin: germline.
Comment: In summary, the available evidence is currently insufficient to determine the role of this variant in disease. Therefore, it has been classified as a Variant of Uncertain Significance. Algorithms developed to predict the effect of sequence changes on RNA splicing suggest that this variant may create or strengthen a splice site, but this prediction has not been confirmed by published transcriptional studies. Algorithms developed to predict the effect of missense changes on protein structure and function are either unavailable or do not agree on the potential impact of this missense change (SIFT: "Tolerated"; PolyPhen-2: "Possibly Damaging"; Align-GVGD: "Class C0"). This variant has not been reported in the literature in individuals with TAF1-related disease. This variant is not present in population databases (ExAC no frequency). This sequence change replaces threonine with alanine at codon 893 of the TAF1 protein (p.Thr893Ala). The threonine residue is moderately conserved and there is a small physicochemical difference between threonine and alanine.